The following is an entry in ClinVar:

ClinVar aggregate classification (germline): Benign. Review status: criteria provided, multiple submitters, no conflicts (2 of 4 stars). 3 submissions from 3 submitters: Benign (3). Last evaluated 2026-01-16.

Conditions:
Phosphoenolpyruvate carboxykinase deficiency, cytosolic (PCKDC). Also called: PCK1 DEFICIENCY, CYTOSOLIC; PEPCK DEFICIENCY, CYTOSOLIC. Identifiers: Orphanet 2880, MedGen C5574905, MONDO:0009866, OMIM 261680.

Allele frequency attached by ClinVar (database versions not stated): 1000 Genomes Project 30x 0.01546; 1000 Genomes Project 0.01558; TOPMed 0.02582; gnomAD 0.02695 and 0.02719; gnomAD exomes 0.02783 and 0.03654; ExAC 0.02960; ESP Exome Variant Server 0.03222.
gnomAD v4.1: 57,256 of 1,613,880 alleles (3.5%); highest among the groups gnomAD compares: Non-Finnish European, 4.2%; 1,239 homozygotes.

Submissions (3):

Labcorp Genetics (formerly Invitae), Labcorp
Classification: Benign. Last evaluated: 2026-01-16. Review status: criteria provided, single submitter. Criteria: Invitae Variant Classification Sherloc (09022015). Collection method: clinical testing. Allele origin: germline.

Illumina Laboratory Services, Illumina
Classification: Benign for Phosphoenolpyruvate carboxykinase deficiency, cytosolic. Last evaluated: 2018-01-13. Review status: criteria provided, single submitter. Criteria: ICSL Variant Classification Criteria 13 December 2019. Collection method: clinical testing. Allele origin: germline.
Comment: This variant was observed in the ICSL laboratory as part of a predisposition screen in an ostensibly healthy population. It had not been previously curated by ICSL or reported in the Human Gene Mutation Database (HGMD: prior to June 1st, 2018), and was therefore a candidate for classification through an automated scoring system. Utilizing variant allele frequency, disease prevalence and penetrance estimates, and inheritance mode, an automated score was calculated to assess if this variant is too frequent to cause the disease. Based on the score and internal cut-off values, a variant classified as benign is not then subjected to further curation. The score for this variant resulted in a classification of benign for this disease.

Breakthrough Genomics
Classification: Benign. Review status: criteria provided, single submitter. Criteria: ACMG Guidelines, 2015. Collection method: not provided. Allele origin: germline. Inheritance: Autosomal recessive inheritance. Affected: yes.

NM_002591.4(PCK1):c.705C>T (p.Tyr235=)

Gene: PCK1 (phosphoenolpyruvate carboxykinase 1; plus strand). Cytogenetic location: 20q13.31.
Variant type: single nucleotide variant.
Coding change: c.705C>T on transcript NM_002591.4 (MANE Select); coding-DNA position 705, C replaced by T.
Protein change: p.Tyr235=; no amino-acid change (tyrosine 235 retained).
Molecular consequence: synonymous variant.
Genome position (GRCh38, 1-based): chr20:57,563,122, C>T. VCF-style: chr20-57563122-C-T. GRCh37 (hg19) VCF-style: chr20-56138178-C-T.
Identifiers: ClinVar variation 338881 (VCV000338881.13), dbSNP rs28359544, ClinGen allele CA9922127.
Genomic context (GRCh38, chr20:57,563,122, plus strand): 5'-GCTGACGCTCATCGCCCACCTGCCTGACCGCAGAGAGATCATCTCCTTTGGCAGTGGGTA[C>T]GGCGGGAACTCGCTGCTCGGGAAGAAGTGCTTTGCTCTCAGGATGGCCAGCCGGCTGGCC-3'
Protein context (NP_002582.3, residues 225-245): RREIISFGSG[Tyr235=]GGNSLLGKKC